The following is an entry in ClinVar:

ClinVar aggregate classification (germline): Uncertain significance (1 of 4 stars; one submission).

Conditions:
Immunodeficiency 35 (IMD35). Also called: Susceptibility to infection due to TYK2 deficiency; TYK2 DEFICIENCY; HIES WITH ATYPICAL MYCOBACTERIOSIS, AUTOSOMAL RECESSIVE; HYPER-IgE SYNDROME WITH ATYPICAL MYCOBACTERIOSIS, AUTOSOMAL RECESSIVE. Identifiers: Orphanet 331226, MedGen C1969086, MONDO:0012682, OMIM 611521.

Allele frequency attached by ClinVar (database versions not stated): gnomAD exomes below 0.00001.
gnomAD v4.1: 1 of 1,549,146 alleles (0.000065%); highest among the groups gnomAD compares: Middle Eastern, 0.017%; no homozygotes.

Submission:

Labcorp Genetics (formerly Invitae), Labcorp
Classification: Uncertain significance for Immunodeficiency 35. Last evaluated: 2020-12-24. Review status: criteria provided, single submitter. Criteria: Invitae Variant Classification Sherloc (09022015). Collection method: clinical testing. Allele origin: germline.
Comment: In summary, the available evidence is currently insufficient to determine the role of this variant in disease. Therefore, it has been classified as a Variant of Uncertain Significance. Algorithms developed to predict the effect of missense changes on protein structure and function are either unavailable or do not agree on the potential impact of this missense change (SIFT: "Not Available"; PolyPhen-2: "Benign"; Align-GVGD: "Not Available"). This variant has not been reported in the literature in individuals with TYK2-related conditions. This variant is not present in population databases (ExAC no frequency). This sequence change replaces serine with glycine at codon 660 of the TYK2 protein (p.Ser660Gly). The serine residue is highly conserved and there is a small physicochemical difference between serine and glycine.

NM_003331.5(TYK2):c.1978A>G (p.Ser660Gly)

Gene: TYK2 (tyrosine kinase 2; minus strand). Cytogenetic location: 19p13.2.
Variant type: single nucleotide variant.
Coding change: c.1978A>G on transcript NM_003331.5 (MANE Select); coding-DNA position 1978, A replaced by G.
Protein change: p.Ser660Gly; replaces serine 660 with glycine.
Molecular consequence: missense variant.
Genome position (GRCh38, 1-based): chr19:10,361,580, T>C on the plus strand (A>G on the coding strand, the complement: TYK2 is on the minus strand). VCF-style: chr19-10361580-T-C. GRCh37 (hg19) VCF-style: chr19-10472256-T-C.
Other names: c.1978A>G, p.Ser660Gly (NM_001385197.1, NM_001385198.1, NM_001385200.1 and 2 more transcripts); c.1792A>G, p.Ser598Gly (NM_001385199.1); c.1780A>G, p.Ser594Gly (NM_001385201.1); c.1894A>G, p.Ser632Gly (NM_001385202.1); c.1888A>G, p.Ser630Gly (NM_001385205.1); c.1852A>G, p.Ser618Gly (NM_001385206.1); c.1960A>G, p.Ser654Gly (NM_001385207.1); short protein forms S598G, S630G, S618G, S654G, S660G, S594G, S632G.
Identifiers: ClinVar variation 1359510 (VCV001359510.6), dbSNP rs975547596, ClinGen allele CA305203928.
Genomic context (GRCh38, chr19:10,361,580, plus strand): 5'-CGCGCACACAGACGCCATGCACGAAGGCCAGGTGCGTGTGGGAGACCTGGCTCATGAGGC[T>C]GGCTGTCTCGTAGAAGGCCTGTGGGGACCGGGCAGGTCAGGTGGCTGCAAAGCCGACCCC-3'
Protein context (NP_003322.3, residues 650-670): DIALAFYETA[Ser660Gly]LMSQVSHTHL